The following is an entry in ClinVar:

NM_022437.3(ABCG8):c.1192C>G (p.Gln398Glu)

Gene: ABCG8 (ATP binding cassette subfamily G member 8; plus strand). Cytogenetic location: 2p21.
Variant type: single nucleotide variant.
Coding change: c.1192C>G on transcript NM_022437.3 (MANE Select); coding-DNA position 1192, C replaced by G.
Protein change: p.Gln398Glu; replaces glutamine 398 with glutamic acid.
Molecular consequence: missense variant.
Genome position (GRCh38, 1-based): chr2:43,872,287, C>G. VCF-style: chr2-43872287-C-G. GRCh37 (hg19) VCF-style: chr2-44099426-C-G.
Other names: c.1189C>G, p.Gln397Glu (NM_001357321.2); short protein forms Q397E, Q398E.
Identifiers: ClinVar variation 4737007 (VCV004737007.1).

ClinVar aggregate classification (germline): Uncertain significance (1 of 4 stars; one submission).

gnomAD v4.1: 38 of 1,613,796 alleles (0.0024%); highest among the groups gnomAD compares: Non-Finnish European, 0.0031%; no homozygotes.

Submission:

Labcorp Genetics (formerly Invitae), Labcorp
Classification: Uncertain significance. Last evaluated: 2025-09-10. Review status: criteria provided, single submitter. Criteria: Invitae Variant Classification Sherloc (09022015). Collection method: clinical testing. Allele origin: germline.
Comment: This sequence change replaces glutamine, which is neutral and polar, with glutamic acid, which is acidic and polar, at codon 398 of the ABCG8 protein (p.Gln398Glu). This variant is present in population databases (rs748219341, gnomAD 0.003%). This variant has not been reported in the literature in individuals affected with ABCG8-related conditions. Invitae Evidence Modeling of protein sequence and biophysical properties (such as structural, functional, and spatial information, amino acid conservation, physicochemical variation, residue mobility, and thermodynamic stability) indicates that this missense variant is not expected to disrupt ABCG8 protein function with a negative predictive value of 80%. In summary, the available evidence is currently insufficient to determine the role of this variant in disease. Therefore, it has been classified as a Variant of Uncertain Significance.